The following is an entry in ClinVar:

NM_001243925.2(MAPKAPK3):c.244C>T (p.Arg82Trp)

Gene: MAPKAPK3 (MAPK activated protein kinase 3; plus strand). Cytogenetic location: 3p21.2.
Variant type: single nucleotide variant.
Coding change: c.244C>T on transcript NM_001243925.2 (MANE Select); coding-DNA position 244, C replaced by T.
Protein change: p.Arg82Trp; replaces arginine 82 with tryptophan.
Molecular consequence: missense variant.
Genome position (GRCh38, 1-based): chr3:50,640,390, C>T. VCF-style: chr3-50640390-C-T. GRCh37 (hg19) VCF-style: chr3-50677821-C-T.
Other names: c.244C>T, p.Arg82Trp (NM_001243926.2, NM_004635.5); short protein forms R82W.
Identifiers: ClinVar variation 1473547 (VCV001473547.8), dbSNP rs755805527, ClinGen allele CA2420201.

ClinVar aggregate classification (germline): Uncertain significance (1 of 4 stars; one submission).

Allele frequency attached by ClinVar (database versions not stated): TOPMed below 0.00001; gnomAD exomes 0.00001 and 0.00002; ExAC 0.00003.
gnomAD v4.1: 11 of 1,614,050 alleles (0.00068%); highest among the groups gnomAD compares: East Asian, 0.0022%; no homozygotes.

Submission:

Labcorp Genetics (formerly Invitae), Labcorp
Classification: Uncertain significance. Last evaluated: 2022-03-16. Review status: criteria provided, single submitter. Criteria: Invitae Variant Classification Sherloc (09022015). Collection method: clinical testing. Allele origin: germline.
Comment: In summary, the available evidence is currently insufficient to determine the role of this variant in disease. Therefore, it has been classified as a Variant of Uncertain Significance. Algorithms developed to predict the effect of missense changes on protein structure and function (SIFT, PolyPhen-2, Align-GVGD) all suggest that this variant is likely to be disruptive. This sequence change replaces arginine, which is basic and polar, with tryptophan, which is neutral and slightly polar, at codon 82 of the MAPKAPK3 protein (p.Arg82Trp). This variant is present in population databases (rs755805527, gnomAD 0.006%). This variant has not been reported in the literature in individuals affected with MAPKAPK3-related conditions.